The following is an entry in ClinVar:

NM_001267550.2(TTN):c.61674C>T (p.Ala20558=)

Genes: TTN-AS1 (TTN antisense RNA 1; plus strand), TTN (titin; minus strand). Cytogenetic location: 2q31.2.
Variant type: single nucleotide variant.
Coding change: c.61674C>T on transcript NM_001267550.2 (MANE Select); coding-DNA position 61674, C replaced by T.
Protein change: p.Ala20558=; no amino-acid change (alanine 20558 retained).
Molecular consequence: synonymous variant.
Genome position (GRCh38, 1-based): chr2:178,590,051, G>A on the plus strand (C>T on the coding strand, the complement: TTN is on the minus strand). VCF-style: chr2-178590051-G-A. GRCh37 (hg19) VCF-style: chr2-179454778-G-A.
Other names: c.56751C>T, p.Ala18917= (NM_001256850.1); c.34479C>T, p.Ala11493= (NM_003319.4); c.53970C>T, p.Ala17990= (NM_133378.4); c.34854C>T, p.Ala11618= (NM_133432.3); c.35055C>T, p.Ala11685= (NM_133437.4).
Identifiers: ClinVar variation 511106 (VCV000511106.6), dbSNP rs892095487, ClinGen allele CA60967881.

ClinVar aggregate classification (germline): Likely benign. Review status: criteria provided, multiple submitters, no conflicts (2 of 4 stars). 4 submissions from 4 submitters: Likely benign (4). Last evaluated 2024-03-11.

Conditions:
Autosomal recessive limb-girdle muscular dystrophy type 2J (LGMDR10). Also called: Limb-girdle muscular dystrophy, type 2J; MUSCULAR DYSTROPHY, LIMB-GIRDLE, AUTOSOMAL RECESSIVE 10. Identifiers: Orphanet 140922, MedGen C1837342, MONDO:0012127, OMIM 608807.
Dilated cardiomyopathy 1G (CMD1G). Identifiers: Orphanet 154, MedGen C1858763, MONDO:0011400, OMIM 604145.

Allele frequency attached by ClinVar (database versions not stated): gnomAD exomes 0.00001.
gnomAD v4.1: 15 of 1,613,098 alleles (0.00093%); highest among the groups gnomAD compares: Non-Finnish European, 0.0012%; no homozygotes.

Submissions (4):

Labcorp Genetics (formerly Invitae), Labcorp
Classification: Likely benign for Dilated cardiomyopathy 1G; Autosomal recessive limb-girdle muscular dystrophy type 2J. Last evaluated: 2024-03-11. Review status: criteria provided, single submitter. Criteria: Invitae Variant Classification Sherloc (09022015). Collection method: clinical testing. Allele origin: germline.

Blueprint Genetics
Classification: Likely benign. Last evaluated: 2020-04-14. Review status: criteria provided, single submitter. Criteria: ACMG Guidelines, 2015. Collection method: clinical testing. Allele origin: germline.

GeneDx
Classification: Likely benign. Last evaluated: 2017-07-24. Review status: criteria provided, single submitter. Criteria: GeneDx Variant Classification (06012015). Collection method: clinical testing. Allele origin: germline. Affected: yes.
Comment: This variant is considered likely benign or benign based on one or more of the following criteria: it is a conservative change, it occurs at a poorly conserved position in the protein, it is predicted to be benign by multiple in silico algorithms, and/or has population frequency not consistent with disease.

Breakthrough Genomics
Classification: Likely benign. Review status: criteria provided, single submitter. Criteria: ACMG Guidelines, 2015. Collection method: not provided. Allele origin: germline. Inheritance: Autosomal recessive inheritance. Affected: yes.